The following is an entry in ClinVar:

ClinVar aggregate classification (germline): Uncertain significance. Review status: criteria provided, multiple submitters, no conflicts (2 of 4 stars). 2 submissions from 2 submitters: Uncertain significance (2). Last evaluated 2023-07-03.

Conditions:
Hereditary cancer-predisposing syndrome. Also called: Neoplastic Syndromes, Hereditary; Hereditary neoplastic syndrome; Tumor predisposition; Hereditary Cancer Syndrome. Identifiers: Orphanet 140162, MedGen C0027672, MeSH D009386, MONDO:0015356.
Familial melanoma. Also called: Hereditary melanoma; Hereditary cutaneous melanoma. Identifiers: Orphanet 618, MedGen C1512419, MONDO:0018961.

Submissions (2):

Ambry Genetics
Classification: Uncertain significance for Hereditary cancer-predisposing syndrome. Last evaluated: 2023-07-03. Review status: criteria provided, single submitter. Criteria: Ambry Variant Classification Scheme 2023. Collection method: clinical testing. Allele origin: germline.
Comment: The p.G150C variant (also known as c.448G>T), located in coding exon 2 of the CDKN2A gene, results from a G to T substitution at nucleotide position 448. The glycine at codon 150 is replaced by cysteine, an amino acid with highly dissimilar properties. This amino acid position is not well conserved in available vertebrate species. In addition, this alteration is predicted to be tolerated by in silico analysis. Since supporting evidence is limited at this time, the clinical significance of this alteration remains unclear.

Labcorp Genetics (formerly Invitae), Labcorp
Classification: Uncertain significance for Familial melanoma. Last evaluated: 2022-02-08. Review status: criteria provided, single submitter. Criteria: Invitae Variant Classification Sherloc (09022015). Collection method: clinical testing. Allele origin: germline.
Comment: This sequence change replaces glycine, which is neutral and non-polar, with cysteine, which is neutral and slightly polar, at codon 150 of the CDKN2A (p16INK4a) protein (p.Gly150Cys). The frequency data for this variant in the population databases is considered unreliable, as metrics indicate poor data quality at this position in the gnomAD database. This variant has not been reported in the literature in individuals affected with CDKN2A (p16INK4a)-related conditions. Algorithms developed to predict the effect of missense changes on protein structure and function are either unavailable or do not agree on the potential impact of this missense change (SIFT: "Deleterious"; PolyPhen-2: "Possibly Damaging"; Align-GVGD: "Class C0"). In summary, the available evidence is currently insufficient to determine the role of this variant in disease. Therefore, it has been classified as a Variant of Uncertain Significance.

NM_000077.5(CDKN2A):c.448G>T (p.Gly150Cys)

Gene: CDKN2A (cyclin dependent kinase inhibitor 2A; minus strand). Cytogenetic location: 9p21.3.
Variant type: single nucleotide variant.
Coding change: c.448G>T on transcript NM_000077.5; coding-DNA position 448, G replaced by T.
Protein change: p.Gly150Cys; replaces glycine 150 with cysteine.
Molecular consequence: missense variant (on NM_000077.6). On other transcripts: 3 prime UTR variant (2).
Genome position (GRCh38, 1-based): chr9:21,970,911, C>A on the plus strand (G>T on the coding strand, the complement: CDKN2A is on the minus strand). VCF-style: chr9-21970911-C-A. GRCh37 (hg19) VCF-style: chr9-21970910-C-A.
Other names: c.448G>T, p.Gly150Cys (NM_000077.6, NM_001195132.2); c.295G>T, p.Gly99Cys (NM_001363763.2); c.*92G>T (NM_058195.4); c.*371G>T (NM_058197.5); short protein forms G99C, G150C.
Identifiers: ClinVar variation 2094524 (VCV002094524.6), dbSNP rs1253778918, ClinGen allele CA373085821.
Genomic context (GRCh38, chr9:21,970,911, plus strand): 5'-CTGAGCTTTGGAAGCTCTCAGGGTACAAATTCTCAGATCATCAGTCCTCACCTGAGGGAC[C>A]TTCCGCGGCATCTATGCGGGCATGGTTACTGCCTCTGGTGCCCCCCGCAGCCGCGCGCAG-3'
Protein context (NP_000068.1, residues 140-156): SNHARIDAAE[Gly150Cys]PSDIPD